The following is an entry in ClinVar:

NM_001291867.2(NHS):c.2905G>A (p.Ala969Thr)

Gene: NHS (NHS actin remodeling regulator; plus strand). Cytogenetic location: Xp22.13.
Variant type: single nucleotide variant.
Coding change: c.2905G>A on transcript NM_001291867.2 (MANE Select); coding-DNA position 2905, G replaced by A.
Protein change: p.Ala969Thr; replaces alanine 969 with threonine.
Molecular consequence: missense variant.
Genome position (GRCh38, 1-based): chrX:17,727,011, G>A. VCF-style: chrX-17727011-G-A. GRCh37 (hg19) VCF-style: chrX-17745131-G-A.
Other names: c.2374G>A, p.Ala792Thr (NM_001136024.4); c.2311G>A, p.Ala771Thr (NM_001291868.2); c.2842G>A, p.Ala948Thr (NM_198270.4); short protein forms A948T, A771T, A792T, A969T.
Identifiers: ClinVar variation 588929 (VCV000588929.31), dbSNP rs762685365, ClinGen allele CA10358773.
Genomic context (GRCh38, chrX:17,727,011, plus strand): 5'-TGGCTCCTAAATGACTTGAAAACAAATGATCCTTATAGATCTCTATCTAATTCAAGCACC[G>A]CTACGGGTACCACAGTCATTGAATGCATCAAATCTCCAGAGAGCTCTGAATCCCAAACAT-3'
Protein context (NP_001278796.1, residues 959-979): PYRSLSNSST[Ala969Thr]TGTTVIECIK

ClinVar aggregate classification (germline): Conflicting classifications of pathogenicity. Review status: criteria provided, conflicting classifications (1 of 4 stars). 3 submissions from 3 submitters: Uncertain significance (1); Benign (1); Likely benign (1). Last evaluated 2025-11-24.

Conditions:
Nance-Horan syndrome (NHS). Identifiers: Orphanet 627, MedGen C0796085, MONDO:0010545, OMIM 302350.
Inborn genetic diseases. Identifiers: MedGen C0950123, MeSH D030342.

Allele frequency attached by ClinVar (database versions not stated): TOPMed 0.00005; ExAC 0.00008; gnomAD exomes 0.00008; gnomAD 0.00009; 1000 Genomes Project 30x 0.00021; 1000 Genomes Project 0.00026.

Submissions (3):

Labcorp Genetics (formerly Invitae), Labcorp
Classification: Benign for Nance-Horan syndrome. Last evaluated: 2025-11-24. Review status: criteria provided, single submitter. Criteria: Invitae Variant Classification Sherloc (09022015). Collection method: clinical testing. Allele origin: germline.

CeGaT Center for Human Genetics Tuebingen
Classification: Likely benign. Last evaluated: 2024-02-01. Review status: criteria provided, single submitter. Criteria: CeGaT Center For Human Genetics Tuebingen Variant Classification Criteria Version 2. Collection method: clinical testing. Allele origin: germline. Affected: yes. Observed: 2 variant alleles.
Comment: NHS: BS2

Ambry Genetics
Classification: Uncertain significance for Inborn genetic diseases. Last evaluated: 2021-07-20. Review status: criteria provided, single submitter. Criteria: Ambry Variant Classification Scheme 2023. Collection method: clinical testing. Allele origin: germline.